The following is an entry in ClinVar:

NM_000552.5(VWF):c.3379+13G>A

Gene: VWF (von Willebrand factor; minus strand). Cytogenetic location: 12p13.31.
Variant type: single nucleotide variant.
Coding change: c.3379+13G>A on transcript NM_000552.5 (MANE Select); 13 bases into the intron after coding-DNA position 3379, G replaced by A.
Molecular consequence: intron variant.
Genome position (GRCh38, 1-based): chr12:6,023,618, C>T on the plus strand (G>A on the coding strand, the complement: VWF is on the minus strand). VCF-style: chr12-6023618-C-T. GRCh37 (hg19) VCF-style: chr12-6132784-C-T.
Identifiers: ClinVar variation 256665 (VCV000256665.22), dbSNP rs2885752, ClinGen allele CA6402762.

ClinVar aggregate classification (germline): Benign/Likely benign. Review status: criteria provided, multiple submitters, no conflicts (2 of 4 stars). 8 submissions from 6 submitters: Benign (5); Likely benign (3). Last evaluated 2025-07-30.

Conditions:
von Willebrand disease type 2 (VWD2). Also called: VON WILLEBRAND DISEASE, TYPE II; VWD, TYPE 2; VON WILLEBRAND DISEASE, TYPE 2A/IIE; VON WILLEBRAND DISEASE, TYPE 2CB. Identifiers: Orphanet 166081, Orphanet 903, MedGen C1264040, MONDO:0013304, OMIM 613554.
von Willebrand disease type 1 (VWD1). Also called: VON WILLEBRAND DISEASE, TYPE I; VWD, TYPE 1. Identifiers: Orphanet 166078, Orphanet 903, MedGen C1264039, MONDO:0008668, OMIM 193400. Inheritance: autosomal recessive or autosomal dominant.
von Willebrand disease type 3 (VWD3). Also called: Type 3 Von Willebrand's disease; Type 3 VWD; Von Willebrand disease, severe form; V WD3; VON WILLEBRAND DISEASE, TYPE III. Identifiers: Orphanet 166096, MedGen C1264041, MONDO:0010191, OMIM 277480.
Hereditary von Willebrand disease. Identifiers: Orphanet 903, MedGen C5703318, MONDO:0019565. Inheritance: Autosomal recessive or Autosomal dominant.

Allele frequency attached by ClinVar (database versions not stated): gnomAD exomes 0.00213 and 0.00499; ExAC 0.00610; 1000 Genomes Project 0.01597; 1000 Genomes Project 30x 0.01811; gnomAD 0.01832 and 0.01966; TOPMed 0.01945; ESP Exome Variant Server 0.02153.
gnomAD v4.1: 6,052 of 1,613,616 alleles (0.38%); highest among the groups gnomAD compares: African/African-American, 6.2%; 165 homozygotes.

Submissions (8):

ARUP Laboratories, Molecular Genetics and Genomics, ARUP Laboratories
Classification: Benign. Last evaluated: 2025-07-30. Review status: criteria provided, single submitter. Criteria: ARUP Molecular Germline Variant Investigation Process 2024. Collection method: clinical testing. Allele origin: germline.

Genome-Nilou Lab
Classification: Benign for von Willebrand disease type 1. Last evaluated: 2021-12-05. Review status: criteria provided, single submitter. Criteria: ACMG Guidelines, 2015. Collection method: clinical testing. Allele origin: germline. Affected: no.

Genome-Nilou Lab
Classification: Benign for von Willebrand disease type 3. Last evaluated: 2021-12-05. Review status: criteria provided, single submitter. Criteria: ACMG Guidelines, 2015. Collection method: clinical testing. Allele origin: germline. Affected: no.

Genome-Nilou Lab
Classification: Benign for von Willebrand disease type 2. Last evaluated: 2021-12-05. Review status: criteria provided, single submitter. Criteria: ACMG Guidelines, 2015. Collection method: clinical testing. Allele origin: germline. Affected: no.

Fulgent Genetics
Classification: Likely benign for von Willebrand disease type 1; von Willebrand disease type 3; von Willebrand disease type 2. Last evaluated: 2021-10-13. Review status: criteria provided, single submitter. Criteria: ACMG Guidelines, 2015. Collection method: clinical testing. Allele origin: unknown.

Illumina Laboratory Services, Illumina
Classification: Likely benign for von Willebrand disorder. Last evaluated: 2018-01-13. Review status: criteria provided, single submitter. Criteria: ICSL Variant Classification Criteria 13 December 2019. Collection method: clinical testing. Allele origin: germline.
Comment: This variant was observed in the ICSL laboratory as part of a predisposition screen in an ostensibly healthy population. It had not been previously curated by ICSL or reported in the Human Gene Mutation Database (HGMD: prior to June 1st, 2018), and was therefore a candidate for classification through an automated scoring system. Utilizing variant allele frequency, disease prevalence and penetrance estimates, and inheritance mode, an automated score was calculated to assess if this variant is too frequent to cause the disease. Based on the score and internal cut-off values, a variant classified as likely benign is not then subjected to further curation. The score for this variant resulted in a classification of likely benign for this disease.

Breakthrough Genomics
Classification: Likely benign. Review status: criteria provided, single submitter. Criteria: ACMG Guidelines, 2015. Collection method: not provided. Allele origin: germline. Inheritance: Autosomal recessive inheritance. Affected: yes.

PreventionGenetics, part of Exact Sciences
Classification: Benign. Review status: criteria provided, single submitter. Criteria: ACMG Guidelines, 2015. Collection method: clinical testing. Allele origin: germline.